The following is an entry in ClinVar:

NM_000059.4(BRCA2):c.8488-2A>G

Gene: BRCA2 (BRCA2 DNA repair associated; plus strand). Cytogenetic location: 13q13.1.
Variant type: single nucleotide variant.
Coding change: c.8488-2A>G on transcript NM_000059.4 (MANE Select); the canonical splice acceptor site of the intron before coding-DNA position 8488, A replaced by G.
Molecular consequence: splice acceptor variant.
Genome position (GRCh38, 1-based): chr13:32,370,954, A>G. VCF-style: chr13-32370954-A-G. GRCh37 (hg19) VCF-style: chr13-32945091-A-G.
Other names: c.8488-2A>G (NM_001406720.1); c.8392-2A>G (NM_001406719.1); c.3556-2A>G (NM_001406721.1); c.2071-2A>G (NM_001406722.1).
Identifiers: ClinVar variation 3600608 (VCV003600608.1).

ClinVar aggregate classification (germline): Likely pathogenic (1 of 4 stars; one submission).

gnomAD v4.1: 1 of 1,614,086 alleles (0.000062%); highest among the groups gnomAD compares: South Asian, 0.0011%; no homozygotes.

Submission:

GeneDx
Classification: Likely pathogenic. Last evaluated: 2024-07-13. Review status: criteria provided, single submitter. Criteria: GeneDx Variant Classification Process June 2021. Collection method: clinical testing. Allele origin: germline. Affected: yes.
Comment: RNA studies demonstrated aberrant splicing, producing multiple transcripts that are predicted to result in protein truncation or nonsense mediated decay in a gene for which loss-of-function is a known mechanism of disease (PMID: 22632462); Not observed at significant frequency in large population cohorts (gnomAD); Also known as 8716-2A>G; This variant is associated with the following publications: (PMID: 23893897, 29922827, 22632462)